The following is an entry in ClinVar:

ClinVar aggregate classification (germline): Uncertain significance. Review status: criteria provided, multiple submitters, no conflicts (2 of 4 stars). 3 submissions from 3 submitters: Uncertain significance (3). Last evaluated 2025-10-27.

Conditions:
Hereditary cancer-predisposing syndrome. Also called: Hereditary neoplastic syndrome; Neoplastic Syndromes, Hereditary; Tumor predisposition; Hereditary Cancer Syndrome. Identifiers: Orphanet 140162, MedGen C0027672, MeSH D009386, MONDO:0015356.
DICER1-related tumor predisposition. Also called: DICER1-related pleuropulmonary blastoma cancer predisposition syndrome; DICER1 syndrome. Identifiers: Orphanet 284343, MedGen C3839822, MONDO:0100216.

Allele frequency attached by ClinVar (database versions not stated): ExAC 0.00001; gnomAD exomes 0.00001.

Submissions (3):

Quest Diagnostics Nichols Institute San Juan Capistrano
Classification: Uncertain significance. Last evaluated: 2025-10-27. Review status: criteria provided, single submitter. Criteria: Quest Diagnostics criteria. Collection method: clinical testing. Allele origin: unknown.
Comment: The DICER1 c.2228C>T (p.Thr743Met) variant has not been reported in individuals with DICER1-related conditions in the published literature. The frequency of this variant in the general population (Genome Aggregation Database) is uninformative in the assessment of its pathogenicity. Analysis of this variant using bioinformatics tools for the prediction of the effect of amino acid changes on protein structure and function yielded predictions that this variant is damaging. Based on the available information, we are unable to determine the clinical significance of this variant.

Ambry Genetics
Classification: Uncertain significance for Hereditary cancer-predisposing syndrome. Last evaluated: 2025-06-13. Review status: criteria provided, single submitter. Criteria: Ambry Variant Classification Scheme 2023. Collection method: clinical testing. Allele origin: germline.
Comment: The p.T743M variant (also known as c.2228C>T), located in coding exon 13 of the DICER1 gene, results from a C to T substitution at nucleotide position 2228. The threonine at codon 743 is replaced by methionine, an amino acid with similar properties. This amino acid position is highly conserved in available vertebrate species. In addition, the in silico prediction for this alteration is inconclusive. Since supporting evidence is limited at this time, the clinical significance of this alteration remains unclear.

Labcorp Genetics (formerly Invitae), Labcorp
Classification: Uncertain significance for DICER1-related tumor predisposition. Last evaluated: 2025-04-22. Review status: criteria provided, single submitter. Criteria: Invitae Variant Classification Sherloc (09022015). Collection method: clinical testing. Allele origin: germline.
Comment: This sequence change replaces threonine, which is neutral and polar, with methionine, which is neutral and non-polar, at codon 743 of the DICER1 protein (p.Thr743Met). This variant is present in population databases (rs758932000, gnomAD 0.01%). This variant has not been reported in the literature in individuals affected with DICER1-related conditions. ClinVar contains an entry for this variant (Variation ID: 412048). Invitae Evidence Modeling of protein sequence and biophysical properties (such as structural, functional, and spatial information, amino acid conservation, physicochemical variation, residue mobility, and thermodynamic stability) has been performed for this missense variant. However, the output from this modeling did not meet the statistical confidence thresholds required to predict the impact of this variant on DICER1 protein function. In summary, the available evidence is currently insufficient to determine the role of this variant in disease. Therefore, it has been classified as a Variant of Uncertain Significance.

NM_177438.3(DICER1):c.2228C>T (p.Thr743Met)

Gene: DICER1 (dicer 1, ribonuclease III; minus strand). Cytogenetic location: 14q32.13.
Variant type: single nucleotide variant.
Coding change: c.2228C>T on transcript NM_177438.3 (MANE Select); coding-DNA position 2228, C replaced by T.
Protein change: p.Thr743Met; replaces threonine 743 with methionine.
Molecular consequence: missense variant.
Genome position (GRCh38, 1-based): chr14:95,111,345, G>A on the plus strand (C>T on the coding strand, the complement: DICER1 is on the minus strand). VCF-style: chr14-95111345-G-A. GRCh37 (hg19) VCF-style: chr14-95577682-G-A.
Other names: c.2228C>T, p.Thr743Met (NM_001195573.1, NM_001271282.3, NM_001291628.2 and 1 more transcripts); short protein forms T743M.
Identifiers: ClinVar variation 412048 (VCV000412048.15), dbSNP rs758932000, ClinGen allele CA7331288.
Genomic context (GRCh38, chr14:95,111,345, plus strand): 5'-TAGGTTTTTACTCTGTTCTAACCAATACTAACTGCTTTTGGGTAGCACTGCCTTCGTTTC[G>A]TGGAACCTGGTCTTCCTGGAACACTGGTCTCTTCTTCATCATGCAAATCAAGCTCCTCTT-3'
Protein context (NP_803187.1, residues 733-753): ETSVPGRPGS[Thr743Met]KRRQCYPKAI